The following is an entry in ClinVar:

ClinVar aggregate classification (germline): Uncertain significance (1 of 4 stars; one submission).

Conditions:
Hereditary breast ovarian cancer syndrome. Also called: BRCA1- and BRCA2-Associated Hereditary Breast and Ovarian Cancer; Breast and ovarian cancer; Hereditary breast and ovarian cancer; Hereditary breast and ovarian cancer syndrome (HBOC); Hereditary breast and ovarian cancer syndrome; Hereditary breast and/or ovarian cancer syndrome. Identifiers: Orphanet 145, MedGen C0677776, MeSH D061325, MONDO:0003582. Disease mechanism: loss of function.

Submission:

Labcorp Genetics (formerly Invitae), Labcorp
Classification: Uncertain significance for Hereditary breast ovarian cancer syndrome. Last evaluated: 2025-04-17. Review status: criteria provided, single submitter. Criteria: Invitae Variant Classification Sherloc (09022015). Collection method: clinical testing. Allele origin: germline.
Comment: This sequence change replaces serine, which is neutral and polar, with tyrosine, which is neutral and polar, at codon 581 of the BRCA2 protein (p.Ser581Tyr). This variant is not present in population databases (gnomAD no frequency). This variant has not been reported in the literature in individuals affected with BRCA2-related conditions. Invitae Evidence Modeling of protein sequence and biophysical properties (such as structural, functional, and spatial information, amino acid conservation, physicochemical variation, residue mobility, and thermodynamic stability) indicates that this missense variant is not expected to disrupt BRCA2 protein function with a negative predictive value of 95%. In summary, the available evidence is currently insufficient to determine the role of this variant in disease. Therefore, it has been classified as a Variant of Uncertain Significance.

NM_000059.4(BRCA2):c.1742C>A (p.Ser581Tyr)

Gene: BRCA2 (BRCA2 DNA repair associated; plus strand). Cytogenetic location: 13q13.1.
Variant type: single nucleotide variant.
Coding change: c.1742C>A on transcript NM_000059.4 (MANE Select); coding-DNA position 1742, C replaced by A.
Protein change: p.Ser581Tyr; replaces serine 581 with tyrosine.
Molecular consequence: missense variant. On other transcripts: non-coding transcript variant (1), intron variant (1).
Genome position (GRCh38, 1-based): chr13:32,333,220, C>A. VCF-style: chr13-32333220-C-A. GRCh37 (hg19) VCF-style: chr13-32907357-C-A.
Other names: c.1742C>A, p.Ser581Tyr (NM_001406719.1, NM_001406720.1, NM_001406721.1 and 1 more transcripts); c.424+2190C>A (NM_001406722.1); short protein forms S581Y.
Identifiers: ClinVar variation 4701971 (VCV004701971.1).